The following is an entry in ClinVar:

ClinVar aggregate classification (germline): Uncertain significance. Review status: criteria provided, multiple submitters, no conflicts (2 of 4 stars). 2 submissions from 2 submitters: Uncertain significance (2). Last evaluated 2023-08-17.

Conditions:
Inborn genetic diseases. Identifiers: MedGen C0950123, MeSH D030342.

Allele frequency attached by ClinVar (database versions not stated): ExAC 0.00001; gnomAD 0.00001 and 0.00002; gnomAD exomes 0.00001 and below 0.00001; TOPMed 0.00001.
gnomAD v4.1: 7 of 1,207,653 alleles (0.00058%); highest among the groups gnomAD compares: East Asian, 0.0089%; no homozygotes.

Submissions (2):

Labcorp Genetics (formerly Invitae), Labcorp
Classification: Uncertain significance. Last evaluated: 2023-08-17. Review status: criteria provided, single submitter. Criteria: Invitae Variant Classification Sherloc (09022015). Collection method: clinical testing. Allele origin: germline.
Comment: This sequence change replaces arginine, which is basic and polar, with lysine, which is basic and polar, at codon 153 of the PQBP1 protein (p.Arg153Lys). This variant is present in population databases (rs781844953, gnomAD 0.008%), including at least one homozygous and/or hemizygous individual. This variant has not been reported in the literature in individuals affected with PQBP1-related conditions. ClinVar contains an entry for this variant (Variation ID: 521346). An algorithm developed to predict the effect of missense changes on protein structure and function (PolyPhen-2) suggests that this variant is likely to be tolerated. In summary, the available evidence is currently insufficient to determine the role of this variant in disease. Therefore, it has been classified as a Variant of Uncertain Significance.

Ambry Genetics
Classification: Uncertain significance for Inborn genetic diseases. Last evaluated: 2016-11-14. Review status: criteria provided, single submitter. Criteria: Ambry exome assertion method (8-5-2015). Collection method: clinical testing. Allele origin: germline. Affected: yes. Observed: 1 variant allele.

NM_001032382.2(PQBP1):c.458G>A (p.Arg153Lys)

Gene: PQBP1 (polyglutamine binding protein 1; plus strand). Cytogenetic location: Xp11.23.
Variant type: single nucleotide variant.
Coding change: c.458G>A on transcript NM_001032382.2 (MANE Select); coding-DNA position 458, G replaced by A.
Protein change: p.Arg153Lys; replaces arginine 153 with lysine.
Molecular consequence: missense variant. On other transcripts: intron variant (2).
Genome position (GRCh38, 1-based): chrX:48,902,398, G>A. VCF-style: chrX-48902398-G-A. GRCh37 (hg19) VCF-style: chrX-48759675-G-A.
Other names: c.458G>A, p.Arg153Lys (NM_001032381.2, NM_001032383.2, NM_001032384.1 and 2 more transcripts); c.434G>A, p.Arg145Lys (NM_001167990.2); c.293-334G>A (NM_144495.3); c.202-44G>A (NM_001167992.1); short protein forms R153K, R145K.
Identifiers: ClinVar variation 521346 (VCV000521346.7), dbSNP rs781844953, ClinGen allele CA10405923.